The following is an entry in ClinVar:

NM_004304.5(ALK):c.3515+2T>C

Gene: ALK (ALK receptor tyrosine kinase; minus strand). Cytogenetic location: 2p23.2.
Variant type: single nucleotide variant.
Coding change: c.3515+2T>C on transcript NM_004304.5 (MANE Select); the canonical splice donor site of the intron after coding-DNA position 3515, T replaced by C.
Molecular consequence: splice donor variant.
Genome position (GRCh38, 1-based): chr2:29,222,342, A>G on the plus strand (T>C on the coding strand, the complement: ALK is on the minus strand). VCF-style: chr2-29222342-A-G. GRCh37 (hg19) VCF-style: chr2-29445208-A-G.
Other names: c.311+2T>C (NM_001353765.2).
Identifiers: ClinVar variation 2872678 (VCV002872678.3), dbSNP rs2148168506, ClinGen allele CA346462837.

ClinVar aggregate classification (germline): Uncertain significance (1 of 4 stars; one submission).

Conditions:
Neuroblastoma, susceptibility to, 3. Also called: ALK-Related Neuroblastic Tumor Susceptibility. Identifiers: Orphanet 635, MedGen C2751681, MONDO:0013083, OMIM 613014.

Submission:

Labcorp Genetics (formerly Invitae), Labcorp
Classification: Uncertain significance for Neuroblastoma, susceptibility to, 3. Last evaluated: 2022-12-09. Review status: criteria provided, single submitter. Criteria: Invitae Variant Classification Sherloc (09022015). Collection method: clinical testing. Allele origin: germline.
Comment: This sequence change affects a donor splice site in intron 22 of the ALK gene. It is expected to disrupt RNA splicing. Variants that disrupt the donor or acceptor splice site typically lead to a loss of protein function (PMID: 16199547), however the current clinical and genetic evidence is not sufficient to establish whether loss-of-function variants in ALK cause disease. This variant has not been reported in the literature in individuals affected with ALK-related conditions. This variant is not present in population databases (gnomAD no frequency). In summary, the available evidence is currently insufficient to determine the role of this variant in disease. Therefore, it has been classified as a Variant of Uncertain Significance. Algorithms developed to predict the effect of sequence changes on RNA splicing suggest that this variant may disrupt the consensus splice site.

Literature cited by the submitters: PubMed 16199547.